The following is an entry in ClinVar:

NM_025114.4(CEP290):c.787A>G (p.Ile263Val)

Gene: CEP290 (centrosomal protein 290; minus strand). Cytogenetic location: 12q21.32.
Variant type: single nucleotide variant.
Coding change: c.787A>G on transcript NM_025114.4 (MANE Select); coding-DNA position 787, A replaced by G.
Protein change: p.Ile263Val; replaces isoleucine 263 with valine.
Molecular consequence: missense variant.
Genome position (GRCh38, 1-based): chr12:88,129,759, T>C on the plus strand (A>G on the coding strand, the complement: CEP290 is on the minus strand). VCF-style: chr12-88129759-T-C. GRCh37 (hg19) VCF-style: chr12-88523536-T-C.
Other names: short protein forms I263V.
Identifiers: ClinVar variation 964473 (VCV000964473.6), dbSNP rs1477583890, ClinGen allele CA385984519.

ClinVar aggregate classification (germline): Uncertain significance. Review status: criteria provided, multiple submitters, no conflicts (2 of 4 stars). 3 submissions from 3 submitters: Uncertain significance (2). 1 of the submissions does not count toward it. Last evaluated 2025-10-22.

Conditions:
CEP290-related disorder. Also called: CEP290-related condition; CEP290-related disorders. Identifiers: MedGen CN239314.
Leber congenital amaurosis (LCA). Also called: Leber's amaurosis. Identifiers: Orphanet 65, MedGen C0339527, MeSH D057130, MONDO:0018998.
Nephronophthisis. Also called: Juvenile Nephronophthisis. Identifiers: Orphanet 655, MedGen C0687120, MONDO:0019005, HP:0000090.
Meckel-Gruber syndrome. Also called: GRUBER SYNDROME; Dysencephalia splachnocystica; DYSENCEPHALIA SPLANCHNOCYSTICA. Identifiers: Orphanet 564, MedGen C0265215, MONDO:0018921.
Joubert syndrome. Also called: Familial aplasia of the vermis; JOUBERT-BOLTSHAUSER SYNDROME. Identifiers: Orphanet 475, MedGen C5979921, MONDO:0018772.

Allele frequency attached by ClinVar (database versions not stated): gnomAD 0.00001; gnomAD exomes 0.00001; TOPMed 0.00001.
gnomAD v4.1: 24 of 1,489,690 alleles (0.0016%); highest among the groups gnomAD compares: Non-Finnish European, 0.0022%; no homozygotes.

Submissions (3):

PreventionGenetics, part of Exact Sciences
Classification: Uncertain significance for CEP290-related condition. Last evaluated: 2025-10-22. Review status: criteria provided, single submitter. Criteria: ACMG Guidelines, 2015. Collection method: clinical testing. Allele origin: germline.
Comment: The CEP290 c.787A>G variant is predicted to result in the amino acid substitution p.Ile263Val. To our knowledge, this variant has not been reported in the literature. This variant is reported in 0.0019% of alleles in individuals of European (Non-Finnish) descent in gnomAD. At this time, the clinical significance of this variant is uncertain due to the absence of conclusive functional and genetic evidence.

Labcorp Genetics (formerly Invitae), Labcorp
Classification: Uncertain significance for Joubert syndrome; Meckel-Gruber syndrome; Nephronophthisis. Last evaluated: 2022-06-03. Review status: criteria provided, single submitter. Criteria: Invitae Variant Classification Sherloc (09022015). Collection method: clinical testing. Allele origin: germline.
Comment: This sequence change replaces isoleucine, which is neutral and non-polar, with valine, which is neutral and non-polar, at codon 263 of the CEP290 protein (p.Ile263Val). This variant is present in population databases (no rsID available, gnomAD 0.002%). This variant has not been reported in the literature in individuals affected with CEP290-related conditions. ClinVar contains an entry for this variant (Variation ID: 964473). Algorithms developed to predict the effect of missense changes on protein structure and function output the following: SIFT: "Tolerated"; PolyPhen-2: "Benign"; Align-GVGD: "Class C0". The valine amino acid residue is found in multiple mammalian species, which suggests that this missense change does not adversely affect protein function. In summary, the available evidence is currently insufficient to determine the role of this variant in disease. Therefore, it has been classified as a Variant of Uncertain Significance.

Natera, Inc.
Classification: Uncertain significance for Leber congenital amaurosis. Last evaluated: 2021-03-31. Review status: no assertion criteria provided. Collection method: clinical testing. Allele origin: germline. Not counted in ClinVar's aggregate classification.